The following is an entry in ClinVar:

ClinVar aggregate classification (germline): Uncertain significance. Review status: criteria provided, multiple submitters, no conflicts (2 of 4 stars). 2 submissions from 2 submitters: Uncertain significance (2). Last evaluated 2024-02-24.

Conditions:
Inborn genetic diseases. Identifiers: MedGen C0950123, MeSH D030342.
Hereditary spastic paraplegia 48. Also called: Spastic paraplegia 48; SPASTIC PARAPLEGIA 48, AUTOSOMAL RECESSIVE. Identifiers: Orphanet 306511, MedGen C3150901, MONDO:0013342, OMIM 613647.

Allele frequency attached by ClinVar (database versions not stated): gnomAD exomes below 0.00001 and 0.00003; TOPMed 0.00001; ExAC 0.00003.
gnomAD v4.1: 6 of 1,613,436 alleles (0.00037%); highest among the groups gnomAD compares: East Asian, 0.013%; no homozygotes.

Submissions (2):

Labcorp Genetics (formerly Invitae), Labcorp
Classification: Uncertain significance for Hereditary spastic paraplegia 48. Last evaluated: 2024-02-24. Review status: criteria provided, single submitter. Criteria: Invitae Variant Classification Sherloc (09022015). Collection method: clinical testing. Allele origin: germline.
Comment: This sequence change replaces serine, which is neutral and polar, with glycine, which is neutral and non-polar, at codon 58 of the AP5Z1 protein (p.Ser58Gly). This variant is present in population databases (rs756631068, gnomAD 0.04%). This variant has not been reported in the literature in individuals affected with AP5Z1-related conditions. ClinVar contains an entry for this variant (Variation ID: 1443565). Advanced modeling of protein sequence and biophysical properties (such as structural, functional, and spatial information, amino acid conservation, physicochemical variation, residue mobility, and thermodynamic stability) performed at Invitae indicates that this missense variant is not expected to disrupt AP5Z1 protein function with a negative predictive value of 80%. In summary, the available evidence is currently insufficient to determine the role of this variant in disease. Therefore, it has been classified as a Variant of Uncertain Significance.

Ambry Genetics
Classification: Uncertain significance for Inborn genetic diseases. Last evaluated: 2024-01-23. Review status: criteria provided, single submitter. Criteria: Ambry Variant Classification Scheme 2023. Collection method: clinical testing. Allele origin: germline.

NM_014855.3(AP5Z1):c.172A>G (p.Ser58Gly)

Gene: AP5Z1 (adaptor related protein complex 5 subunit zeta 1; plus strand). Cytogenetic location: 7p22.1.
Variant type: single nucleotide variant.
Coding change: c.172A>G on transcript NM_014855.3 (MANE Select); coding-DNA position 172, A replaced by G.
Protein change: p.Ser58Gly; replaces serine 58 with glycine.
Molecular consequence: missense variant. On other transcripts: 5 prime UTR variant (1), non-coding transcript variant (1).
Genome position (GRCh38, 1-based): chr7:4,781,305, A>G. VCF-style: chr7-4781305-A-G. GRCh37 (hg19) VCF-style: chr7-4820936-A-G.
Other names: c.172A>G (NM_014855.2); c.-110A>G (NM_001364858.1); short protein forms S58G.
Identifiers: ClinVar variation 1443565 (VCV001443565.7), dbSNP rs756631068, ClinGen allele CA4137067.